The following is an entry in ClinVar:

NM_001999.4(FBN2):c.1760A>G (p.Lys587Arg)

Gene: FBN2 (fibrillin 2; minus strand). Cytogenetic location: 5q23.3.
Variant type: single nucleotide variant.
Coding change: c.1760A>G on transcript NM_001999.4 (MANE Select); coding-DNA position 1760, A replaced by G.
Protein change: p.Lys587Arg; replaces lysine 587 with arginine.
Molecular consequence: missense variant.
Genome position (GRCh38, 1-based): chr5:128,377,841, T>C on the plus strand (A>G on the coding strand, the complement: FBN2 is on the minus strand). VCF-style: chr5-128377841-T-C. GRCh37 (hg19) VCF-style: chr5-127713534-T-C.
Other names: short protein forms K587R.
Identifiers: ClinVar variation 1330912 (VCV001330912.11), dbSNP rs759733025, ClinGen allele CA127023838.

ClinVar aggregate classification (germline): Uncertain significance. Review status: criteria provided, multiple submitters, no conflicts (2 of 4 stars). 3 submissions from 3 submitters: Uncertain significance (3). Last evaluated 2025-02-12.

Conditions:
Congenital contractural arachnodactyly (CCA). Also called: BEALS SYNDROME; Beals-Hecht syndrome; Arthrogryposis, distal, type 9. Identifiers: Orphanet 115, MedGen C0220668, MONDO:0007363, OMIM 121050.

Allele frequency attached by ClinVar (database versions not stated): gnomAD exomes below 0.00001 and 0.00001.
gnomAD v4.1: 11 of 1,613,606 alleles (0.00068%); highest among the groups gnomAD compares: Non-Finnish European, 0.00076%; no homozygotes.

Submissions (3):

Labcorp Genetics (formerly Invitae), Labcorp
Classification: Uncertain significance for Congenital contractural arachnodactyly. Last evaluated: 2025-02-12. Review status: criteria provided, single submitter. Criteria: Invitae Variant Classification Sherloc (09022015). Collection method: clinical testing. Allele origin: germline.
Comment: This sequence change replaces lysine, which is basic and polar, with arginine, which is basic and polar, at codon 587 of the FBN2 protein (p.Lys587Arg). This variant is present in population databases (rs759733025, gnomAD 0.0009%). This variant has not been reported in the literature in individuals affected with FBN2-related conditions. ClinVar contains an entry for this variant (Variation ID: 1330912). Invitae Evidence Modeling of protein sequence and biophysical properties (such as structural, functional, and spatial information, amino acid conservation, physicochemical variation, residue mobility, and thermodynamic stability) indicates that this missense variant is not expected to disrupt FBN2 protein function with a negative predictive value of 80%. In summary, the available evidence is currently insufficient to determine the role of this variant in disease. Therefore, it has been classified as a Variant of Uncertain Significance.

Blueprint Genetics
Classification: Uncertain significance. Last evaluated: 2022-12-19. Review status: criteria provided, single submitter. Criteria: ACMG Guidelines, 2015. Collection method: clinical testing. Allele origin: germline.

ARUP Laboratories, Molecular Genetics and Genomics, ARUP Laboratories
Classification: Uncertain significance. Last evaluated: 2021-07-02. Review status: criteria provided, single submitter. Criteria: ARUP Molecular Germline Variant Investigation Process 2021. Collection method: clinical testing. Allele origin: germline.
Comment: The FBN2 c.1760A>G; p.Lys587Arg variant (rs759733025), to our knowledge, is not reported in the medical literature or gene specific databases. This variant is only observed on one allele in the Genome Aggregation Database, indicating it is not a common polymorphism. The lysine at codon 587 is highly conserved, but computational analyses are uncertain whether this variant is neutral or deleterious (REVEL: 0.31). Due to limited information, the clinical significance of the p.Lys587Arg variant is uncertain at this time.